The following is an entry in ClinVar:

ClinVar aggregate classification (germline): Uncertain significance (1 of 4 stars; one submission).

Conditions:
Early Myoclonic Encephalopathy. Identifiers: MedGen C0270855.

Submission:

Labcorp Genetics (formerly Invitae), Labcorp
Classification: Uncertain significance for Early Myoclonic Encephalopathy. Last evaluated: 2020-08-02. Review status: criteria provided, single submitter. Criteria: Invitae Variant Classification Sherloc (09022015). Collection method: clinical testing. Allele origin: germline.
Comment: This variant has not been reported in the literature in individuals with JMJD1C-related conditions. This variant is not present in population databases (ExAC no frequency). This sequence change replaces lysine with isoleucine at codon 1612 of the JMJD1C protein (p.Lys1612Ile). The lysine residue is moderately conserved and there is a moderate physicochemical difference between lysine and isoleucine. In summary, the available evidence is currently insufficient to determine the role of this variant in disease. Therefore, it has been classified as a Variant of Uncertain Significance. Algorithms developed to predict the effect of missense changes on protein structure and function are either unavailable or do not agree on the potential impact of this missense change (SIFT: "Deleterious"; PolyPhen-2: "Benign"; Align-GVGD: "Class C0").

NM_032776.3(JMJD1C):c.4835A>T (p.Lys1612Ile)

Gene: JMJD1C (jumonji domain containing 1C; minus strand). Cytogenetic location: 10q21.3.
Variant type: single nucleotide variant.
Coding change: c.4835A>T on transcript NM_032776.3 (MANE Select); coding-DNA position 4835, A replaced by T.
Protein change: p.Lys1612Ile; replaces lysine 1612 with isoleucine.
Molecular consequence: missense variant. On other transcripts: non-coding transcript variant (1).
Genome position (GRCh38, 1-based): chr10:63,206,834, T>A on the plus strand (A>T on the coding strand, the complement: JMJD1C is on the minus strand). VCF-style: chr10-63206834-T-A. GRCh37 (hg19) VCF-style: chr10-64966594-T-A.
Other names: c.4289A>T, p.Lys1430Ile (NM_001282948.2, NM_001318154.2); c.3971A>T, p.Lys1324Ile (NM_001318153.2); c.4721A>T, p.Lys1574Ile (NM_001322252.2); c.4178A>T, p.Lys1393Ile (NM_001322254.2, NM_001322258.2); short protein forms K1324I, K1393I, K1430I, K1574I, K1612I.
Identifiers: ClinVar variation 1018333 (VCV001018333.8), dbSNP rs747823940, ClinGen allele CA377036266.
Genomic context (GRCh38, chr10:63,206,834, plus strand): 5'-TCTGAGTCTCCACTTTCAGAGCCAGATTCATAAGTTCTTTTGGCTTTTCTCCTGTTGACT[T>A]TATCATCTTTTACATATTTATCAACTATGATCTTACTATCTACACTATTTTGTATATCAC-3'
Protein context (NP_116165.1, residues 1602-1622): IIVDKYVKDD[Lys1612Ile]VNRRKAKRTY